The following is an entry in ClinVar:

ClinVar aggregate classification (germline): Benign/Likely benign. Review status: criteria provided, multiple submitters, no conflicts (2 of 4 stars). 2 submissions from 2 submitters: Benign (1); Likely benign (1). Last evaluated 2025-07-28.

Conditions:
Familial adenomatous polyposis 1 (FAP1). Also called: POLYPOSIS, ADENOMATOUS INTESTINAL; FAMILIAL ADENOMATOUS POLYPOSIS 1, ATTENUATED. Identifiers: MedGen C2713442, MONDO:0021056, OMIM 175100. Disease mechanism: loss of function.
Hereditary cancer-predisposing syndrome. Also called: Neoplastic Syndromes, Hereditary; Tumor predisposition; Hereditary neoplastic syndrome; Hereditary Cancer Syndrome. Identifiers: Orphanet 140162, MedGen C0027672, MeSH D009386, MONDO:0015356.

Allele frequency attached by ClinVar (database versions not stated): gnomAD exomes below 0.00001; gnomAD 0.00001.
gnomAD v4.1: 3 of 1,613,056 alleles (0.00019%); highest among the groups gnomAD compares: South Asian, 0.0011%; no homozygotes.

Submissions (2):

Ambry Genetics
Classification: Likely benign for Hereditary cancer-predisposing syndrome. Last evaluated: 2025-07-28. Review status: criteria provided, single submitter. Criteria: Ambry Variant Classification Scheme 2023. Collection method: clinical testing. Allele origin: germline.

Myriad Genetics, Inc.
Classification: Benign for Familial adenomatous polyposis 1. Last evaluated: 2024-03-22. Review status: criteria provided, single submitter. Criteria: Myriad Autosomal Dominant, Autosomal Recessive and X-Linked Classification Criteria (2023). Collection method: clinical testing. Allele origin: unknown.
Comment: This variant is considered benign. This variant is a silent/synonymous amino acid change and it is not expected to impact splicing.

NM_000038.6(APC):c.3741C>T (p.Ala1247=)

Gene: APC (APC regulator of Wnt signaling pathway; plus strand). Cytogenetic location: 5q22.2.
Variant type: single nucleotide variant.
Coding change: c.3741C>T on transcript NM_000038.6 (MANE Select); coding-DNA position 3741, C replaced by T.
Protein change: p.Ala1247=; no amino-acid change (alanine 1247 retained).
Molecular consequence: synonymous variant. On other transcripts: non-coding transcript variant (2).
Genome position (GRCh38, 1-based): chr5:112,839,335, C>T. VCF-style: chr5-112839335-C-T. GRCh37 (hg19) VCF-style: chr5-112175032-C-T.
Other names: c.3741C>T (NM_000038.5); c.3741C>T, p.Ala1247= (NM_001127510.3, NM_001354895.2, NM_001407450.1); c.3687C>T, p.Ala1229= (NM_001127511.3); c.3795C>T, p.Ala1265= (NM_001354896.2, NM_001407447.1, NM_001407448.1 and 1 more transcripts); c.3771C>T, p.Ala1257= (NM_001354897.2); c.3666C>T, p.Ala1222= (NM_001354898.2); c.3657C>T, p.Ala1219= (NM_001354899.2); c.3618C>T, p.Ala1206= (NM_001354900.2); and 12 more.
Identifiers: ClinVar variation 3148318 (VCV003148318.2), dbSNP rs1158663132, ClinGen allele CA445964011.